The following is an entry in ClinVar:

NM_015346.4(ZFYVE26):c.121_122delinsAT (p.Glu41Met)

Gene: ZFYVE26 (zinc finger FYVE-type containing 26; minus strand). Cytogenetic location: 14q24.1.
Variant type: Indel.
Coding change: c.121_122delinsAT on transcript NM_015346.4 (MANE Select); coding-DNA positions 121 to 122, GA replaced by AT.
Protein change: p.Glu41Met; replaces glutamic acid 41 with methionine.
Molecular consequence: missense variant.
Genome position (GRCh38, 1-based): chr14:67,815,842-67,815,843, TC replaced by AT on the plus strand (GA replaced by AT on the coding strand, the reverse complement: ZFYVE26 is on the minus strand). VCF-style: chr14-67815842-TC-AT. GRCh37 (hg19) VCF-style: chr14-68282559-TC-AT.
Other names: short protein forms E41M.
Identifiers: ClinVar variation 1975291 (VCV001975291.5), dbSNP rs2502897854, ClinGen allele CA2580088652.

ClinVar aggregate classification (germline): Uncertain significance. Review status: criteria provided, single submitter (1 of 4 stars). 2 submissions from 2 submitters: Uncertain significance (1). 1 of the submissions does not count toward it. Last evaluated 2024-05-15.

Conditions:
Spastic paraplegia. Identifiers: MedGen C0037772, HP:0001258.

Submissions (2):

Labcorp Genetics (formerly Invitae), Labcorp
Classification: Uncertain significance for Spastic paraplegia. Last evaluated: 2024-05-15. Review status: criteria provided, single submitter. Criteria: Invitae Variant Classification Sherloc (09022015). Collection method: clinical testing. Allele origin: germline.
Comment: This sequence change replaces glutamic acid, which is acidic and polar, with methionine, which is neutral and non-polar, at codon 41 of the ZFYVE26 protein (p.Glu41Met). This variant is present in population databases (no rsID available, gnomAD 0.003%). This variant has not been reported in the literature in individuals affected with ZFYVE26-related conditions. ClinVar contains an entry for this variant (Variation ID: 1975291). An algorithm developed to predict the effect of missense changes on protein structure and function (PolyPhen-2) suggests that this variant is likely to be disruptive. In summary, the available evidence is currently insufficient to determine the role of this variant in disease. Therefore, it has been classified as a Variant of Uncertain Significance.

Molecular Genetics, Labor Dr. Heidrich & Kollegen MVZ GmbH
Classification: Uncertain significance for spastic paraplegia. Last evaluated: 2025-07-01. Review status: no assertion criteria provided. Collection method: clinical testing. Allele origin: germline. Not counted in ClinVar's aggregate classification.